The following is an entry in ClinVar:

NM_000136.3(FANCC):c.1586C>A (p.Thr529Asn)

Genes: FANCC (FA complementation group C; minus strand), AOPEP (aminopeptidase O (putative); plus strand). Cytogenetic location: 9q22.32.
Variant type: single nucleotide variant.
Coding change: c.1586C>A on transcript NM_000136.3 (MANE Select); coding-DNA position 1586, C replaced by A.
Protein change: p.Thr529Asn; replaces threonine 529 with asparagine.
Molecular consequence: missense variant.
Genome position (GRCh38, 1-based): chr9:95,101,798, G>T on the plus strand (C>A on the coding strand, the complement: FANCC is on the minus strand). VCF-style: chr9-95101798-G-T. GRCh37 (hg19) VCF-style: chr9-97864080-G-T.
Other names: c.1586C>A, p.Thr529Asn (NM_001243743.2); short protein forms T529N.
Identifiers: ClinVar variation 1775799 (VCV001775799.4), dbSNP rs2540750323, ClinGen allele CA374104612.

ClinVar aggregate classification (germline): Uncertain significance. Review status: criteria provided, multiple submitters, no conflicts (2 of 4 stars). 2 submissions from 2 submitters: Uncertain significance (2). Last evaluated 2025-10-15.

Conditions:
Hereditary cancer-predisposing syndrome. Also called: Neoplastic Syndromes, Hereditary; Tumor predisposition; Hereditary Cancer Syndrome; Hereditary neoplastic syndrome. Identifiers: Orphanet 140162, MedGen C0027672, MeSH D009386, MONDO:0015356.

Allele frequency attached by ClinVar (database versions not stated): gnomAD exomes below 0.00001.
gnomAD v4.1: 1 of 1,614,106 alleles (0.000062%); highest among the groups gnomAD compares: Non-Finnish European, 0.000085%; no homozygotes.

Submissions (2):

Ambry Genetics
Classification: Uncertain significance for Hereditary cancer-predisposing syndrome. Last evaluated: 2025-10-15. Review status: criteria provided, single submitter. Criteria: Ambry Variant Classification Scheme 2023. Collection method: clinical testing. Allele origin: germline.
Comment: The p.T529N variant (also known as c.1586C>A), located in coding exon 14 of the FANCC gene, results from a C to A substitution at nucleotide position 1586. The threonine at codon 529 is replaced by asparagine, an amino acid with similar properties. This amino acid position is well conserved in available vertebrate species. In addition, this alteration is predicted to be tolerated by in silico analysis. Since supporting evidence is limited at this time, the clinical significance of this alteration remains unclear.

GeneDx
Classification: Uncertain significance. Last evaluated: 2023-12-28. Review status: criteria provided, single submitter. Criteria: GeneDx Variant Classification Process June 2021. Collection method: clinical testing. Allele origin: germline. Affected: yes.
Comment: Not observed at significant frequency in large population cohorts (gnomAD); In silico analysis supports that this missense variant has a deleterious effect on protein structure/function; Has not been previously published as pathogenic or benign to our knowledge; This variant is associated with the following publications: (PMID: Gordon2000[Book])